The following is an entry in ClinVar:

ClinVar aggregate classification (germline): Likely benign. Review status: criteria provided, multiple submitters, no conflicts (2 of 4 stars). 3 submissions from 3 submitters: Likely benign (3). Last evaluated 2024-10-01.

Allele frequency attached by ClinVar (database versions not stated): TOPMed 0.00006; gnomAD 0.00007; ESP Exome Variant Server 0.00008.
gnomAD v4.1: 226 of 1,613,546 alleles (0.014%); highest among the groups gnomAD compares: Non-Finnish European, 0.018%; no homozygotes.

Submissions (3):

CeGaT Center for Human Genetics Tuebingen
Classification: Likely benign. Last evaluated: 2024-10-01. Review status: criteria provided, single submitter. Criteria: CeGaT Center For Human Genetics Tuebingen Variant Classification Criteria Version 2. Collection method: clinical testing. Allele origin: germline. Affected: yes. Observed: 1 variant allele.
Comment: LONP1: BP4, BP7

Blueprint Genetics
Classification: Likely benign. Last evaluated: 2024-01-16. Review status: criteria provided, single submitter. Criteria: ACMG Guidelines, 2015. Collection method: clinical testing. Allele origin: germline.

Labcorp Genetics (formerly Invitae), Labcorp
Classification: Likely benign. Last evaluated: 2022-06-22. Review status: criteria provided, single submitter. Criteria: Invitae Variant Classification Sherloc (09022015). Collection method: clinical testing. Allele origin: germline.

NM_004793.4(LONP1):c.1746G>A (p.Thr582=)

Gene: LONP1 (lon peptidase 1, mitochondrial; minus strand). Cytogenetic location: 19p13.3.
Variant type: single nucleotide variant.
Coding change: c.1746G>A on transcript NM_004793.4 (MANE Select); coding-DNA position 1746, G replaced by A.
Protein change: p.Thr582=; no amino-acid change (threonine 582 retained).
Molecular consequence: synonymous variant. On other transcripts: non-coding transcript variant (1).
Genome position (GRCh38, 1-based): chr19:5,696,697, C>T on the plus strand (G>A on the coding strand, the complement: LONP1 is on the minus strand). VCF-style: chr19-5696697-C-T. GRCh37 (hg19) VCF-style: chr19-5696708-C-T.
Other names: c.1554G>A, p.Thr518= (NM_001276479.2); c.1158G>A, p.Thr386= (NM_001276480.1).
Identifiers: ClinVar variation 2191515 (VCV002191515.19), dbSNP rs138649872, ClinGen allele CA9114533.